The following is an entry in ClinVar:

ClinVar aggregate classification (germline): Uncertain significance (1 of 4 stars; one submission).

Submission:

Labcorp Genetics (formerly Invitae), Labcorp
Classification: Uncertain significance. Last evaluated: 2022-10-19. Review status: criteria provided, single submitter. Criteria: Invitae Variant Classification Sherloc (09022015). Collection method: clinical testing. Allele origin: germline.
Comment: In summary, the available evidence is currently insufficient to determine the role of this variant in disease. Therefore, it has been classified as a Variant of Uncertain Significance. Experimental studies have shown that this missense change affects MID1 function (PMID: 28548391). Advanced modeling of protein sequence and biophysical properties (such as structural, functional, and spatial information, amino acid conservation, physicochemical variation, residue mobility, and thermodynamic stability) performed at Invitae indicates that this missense variant is not expected to disrupt MID1 protein function. This missense change has been observed in individual(s) with Opitz GBBB syndrome (PMID: 18360914). This variant is not present in population databases (gnomAD no frequency). This sequence change replaces proline, which is neutral and non-polar, with leucine, which is neutral and non-polar, at codon 151 of the MID1 protein (p.Pro151Leu).

Literature cited by the submitters: PubMed 28548391; PubMed 18360914.

NM_000381.4(MID1):c.452C>T (p.Pro151Leu)

Gene: MID1 (midline 1; minus strand). Cytogenetic location: Xp22.2.
Variant type: single nucleotide variant.
Coding change: c.452C>T on transcript NM_000381.4 (MANE Select); coding-DNA position 452, C replaced by T.
Protein change: p.Pro151Leu; replaces proline 151 with leucine.
Molecular consequence: missense variant.
Genome position (GRCh38, 1-based): chrX:10,567,096, G>A on the plus strand (C>T on the coding strand, the complement: MID1 is on the minus strand). VCF-style: chrX-10567096-G-A. GRCh37 (hg19) VCF-style: chrX-10535136-G-A.
Other names: c.452C>T, p.Pro151Leu (NM_001098624.2, NM_001193277.1, NM_001193278.1 and 5 more transcripts); short protein forms P151L.
Identifiers: ClinVar variation 2138473 (VCV002138473.4), dbSNP rs2147468971, ClinGen allele CA412048318.
Genomic context (GRCh38, chrX:10,567,096, plus strand): 5'-CGGATGTGAGAGTCCGGAATTGGCTCAATCAGACGATGGCCTGTAAAGGGCTTCTTATTC[G>A]GGTGAGTGGCTTTCAGGCACTCGTCACAGTAGGATACTTCACAAGTGACACAGGTCTTCA-3'
Protein context (NP_000372.1, residues 141-161): YCDECLKATH[Pro151Leu]NKKPFTGHRL